The following is an entry in ClinVar:

NM_002645.4(PIK3C2A):c.3544+5G>A

Gene: PIK3C2A (phosphatidylinositol-4-phosphate 3-kinase catalytic subunit type 2 alpha; minus strand). Cytogenetic location: 11p15.1.
Variant type: single nucleotide variant.
Coding change: c.3544+5G>A on transcript NM_002645.4 (MANE Select); 5 bases into the intron after coding-DNA position 3544, G replaced by A.
Molecular consequence: intron variant.
Genome position (GRCh38, 1-based): chr11:17,110,427, C>T on the plus strand (G>A on the coding strand, the complement: PIK3C2A is on the minus strand). VCF-style: chr11-17110427-C-T. GRCh37 (hg19) VCF-style: chr11-17131974-C-T.
Other names: c.2404+5G>A (NM_001321380.2); c.3376+5G>A (NM_001386870.1); c.3544+5G>A (NM_001321378.2).
Identifiers: ClinVar variation 1981599 (VCV001981599.2), dbSNP rs200668631, ClinGen allele CA5900753.
Genomic context (GRCh38, chr11:17,110,427, plus strand): 5'-CAGGTACACTTTAAGCTAAGTTCAAGGAAAAAAATAAGACATCAAGACACAGCTAATAAA[C>T]TTACCTCGATCTCTGCCAGTTGAGAGACATTTGAAAATTACCATCCTCAGATCTAGTCCT-3'

ClinVar aggregate classification (germline): Uncertain significance. Review status: criteria provided, multiple submitters, no conflicts (2 of 4 stars). 2 submissions from 2 submitters: Uncertain significance (2). Last evaluated 2024-02-14.

Allele frequency attached by ClinVar (database versions not stated): gnomAD exomes 0.00001; gnomAD 0.00002; ExAC 0.00003; 1000 Genomes Project 30x 0.00031; 1000 Genomes Project 0.00040.
gnomAD v4.1: 19 of 1,606,610 alleles (0.0012%); highest among the groups gnomAD compares: Middle Eastern, 0.017%; no homozygotes.

Submissions (2):

GeneDx
Classification: Uncertain significance. Last evaluated: 2024-02-14. Review status: criteria provided, single submitter. Criteria: GeneDx Variant Classification Process June 2021. Collection method: clinical testing. Allele origin: germline. Affected: yes.
Comment: Has not been previously published as pathogenic or benign to our knowledge; In silico analysis suggests this variant may impact gene splicing. In the absence of RNA/functional studies, the actual effect of this sequence change is unknown

Labcorp Genetics (formerly Invitae), Labcorp
Classification: Uncertain significance. Last evaluated: 2022-07-21. Review status: criteria provided, single submitter. Criteria: Invitae Variant Classification Sherloc (09022015). Collection method: clinical testing. Allele origin: germline.
Comment: This sequence change falls in intron 22 of the PIK3C2A gene. It does not directly change the encoded amino acid sequence of the PIK3C2A protein. It affects a nucleotide within the consensus splice site. This variant is present in population databases (rs200668631, gnomAD 0.01%). This variant has not been reported in the literature in individuals affected with PIK3C2A-related conditions. Variants that disrupt the consensus splice site are a relatively common cause of aberrant splicing (PMID: 17576681, 9536098). Algorithms developed to predict the effect of sequence changes on RNA splicing suggest that this variant may create or strengthen a splice site. In summary, the available evidence is currently insufficient to determine the role of this variant in disease. Therefore, it has been classified as a Variant of Uncertain Significance.

Literature cited by the submitters: PubMed 17576681 (cited by Labcorp Genetics (formerly Invitae), Labcorp); PubMed 9536098 (cited by Labcorp Genetics (formerly Invitae), Labcorp).